The following is an entry in ClinVar:

NM_014908.4(DOLK):c.1087G>A (p.Ala363Thr)

Gene: DOLK (dolichol kinase; minus strand). Cytogenetic location: 9q34.11.
Variant type: single nucleotide variant.
Coding change: c.1087G>A on transcript NM_014908.4 (MANE Select); coding-DNA position 1087, G replaced by A.
Protein change: p.Ala363Thr; replaces alanine 363 with threonine.
Molecular consequence: missense variant.
Genome position (GRCh38, 1-based): chr9:128,946,217, C>T on the plus strand (G>A on the coding strand, the complement: DOLK is on the minus strand). VCF-style: chr9-128946217-C-T. GRCh37 (hg19) VCF-style: chr9-131708496-C-T.
Other names: short protein forms A363T.
Identifiers: ClinVar variation 653655 (VCV000653655.7), dbSNP rs1588262062, ClinGen allele CA375120183.

ClinVar aggregate classification (germline): Uncertain significance. Review status: criteria provided, multiple submitters, no conflicts (2 of 4 stars). 2 submissions from 2 submitters: Uncertain significance (2). Last evaluated 2024-10-08.

Conditions:
Cardiovascular phenotype. Identifiers: MedGen CN230736.
DK1-congenital disorder of glycosylation. Also called: DOLK-congenital disorder of glycosylation; Carbohydrate deficient glycoprotein syndrome type 1m; CONGENITAL DISORDER OF GLYCOSYLATION, TYPE Im; CDG Im; DK1 DEFICIENCY; DOLICHOL KINASE DEFICIENCY. Identifiers: Orphanet 91131, MedGen C1835849, MONDO:0012556, OMIM 610768.

Allele frequency attached by ClinVar (database versions not stated): gnomAD exomes below 0.00001; TOPMed 0.00001; gnomAD 0.00002.

Submissions (2):

Ambry Genetics
Classification: Uncertain significance for Cardiovascular phenotype. Last evaluated: 2024-10-08. Review status: criteria provided, single submitter. Criteria: Ambry Variant Classification Scheme 2023. Collection method: clinical testing. Allele origin: germline.
Comment: The p.A363T variant (also known as c.1087G>A), located in coding exon 1 of the DOLK gene, results from a G to A substitution at nucleotide position 1087. The alanine at codon 363 is replaced by threonine, an amino acid with similar properties. This amino acid position is conserved. In addition, this alteration is predicted to be tolerated by in silico analysis. Based on the available evidence, the clinical significance of this variant remains unclear.

Labcorp Genetics (formerly Invitae), Labcorp
Classification: Uncertain significance for DK1-congenital disorder of glycosylation. Last evaluated: 2022-03-12. Review status: criteria provided, single submitter. Criteria: Invitae Variant Classification Sherloc (09022015). Collection method: clinical testing. Allele origin: germline.
Comment: This sequence change replaces alanine, which is neutral and non-polar, with threonine, which is neutral and polar, at codon 363 of the DOLK protein (p.Ala363Thr). This variant is not present in population databases (gnomAD no frequency). This variant has not been reported in the literature in individuals affected with DOLK-related conditions. ClinVar contains an entry for this variant (Variation ID: 653655). Algorithms developed to predict the effect of missense changes on protein structure and function are either unavailable or do not agree on the potential impact of this missense change (SIFT: "Tolerated"; PolyPhen-2: "Possibly Damaging"; Align-GVGD: "Class C0"). In summary, the available evidence is currently insufficient to determine the role of this variant in disease. Therefore, it has been classified as a Variant of Uncertain Significance.